The following is an entry in ClinVar:

ClinVar aggregate classification (germline): Conflicting classifications of pathogenicity. Review status: criteria provided, conflicting classifications (1 of 4 stars). 3 submissions from 3 submitters: Likely pathogenic (1); Uncertain significance (2). Last evaluated 2025-06-11.

Conditions:
Cardiomyopathy (CMYO). Also called: Cardiomyopathies. Identifiers: Orphanet 167848, MedGen C0878544, MONDO:0004994, HP:0001638. Inheritance: Various modes of inheritance.
Hypertrophic cardiomyopathy. Also called: HYPERTROPHIC MYOCARDIOPATHY. Identifiers: Orphanet 217569, MedGen C0007194, MeSH D002312, MONDO:0005045, HP:0001639.

Submissions (3):

Labcorp Genetics (formerly Invitae), Labcorp
Classification: Likely pathogenic for Hypertrophic cardiomyopathy. Last evaluated: 2025-06-11. Review status: criteria provided, single submitter. Criteria: Invitae Variant Classification Sherloc (09022015). Collection method: clinical testing. Allele origin: germline.
Comment: This sequence change replaces glutamic acid, which is acidic and polar, with glutamine, which is neutral and polar, at codon 1123 of the MYH7 protein (p.Glu1123Gln). This variant is not present in population databases (gnomAD no frequency). This missense change has been observed in individuals with autosomal dominant hypertrophic cardiomyopathy (PMID: 27483260, 31323898). ClinVar contains an entry for this variant (Variation ID: 1315923). Invitae Evidence Modeling of protein sequence and biophysical properties (such as structural, functional, and spatial information, amino acid conservation, physicochemical variation, residue mobility, and thermodynamic stability) indicates that this missense variant is expected to disrupt MYH7 protein function with a positive predictive value of 95%. In summary, the currently available evidence indicates that the variant is pathogenic, but additional data are needed to prove that conclusively. Therefore, this variant has been classified as Likely Pathogenic.

All of Us Research Program, National Institutes of Health
Classification: Uncertain significance for Cardiomyopathy. Last evaluated: 2024-05-14. Review status: criteria provided, single submitter. Criteria: ACMG Guidelines, 2015. Collection method: clinical testing. Allele origin: germline. Inheritance: Autosomal dominant inheritance. Observed: 2 variant alleles, 2 heterozygotes.
Comment: This missense variant replaces glutamic acid with glutamine at codon 1123 of the MYH7 protein. Computational prediction suggests that this variant may have a deleterious impact on protein structure and function (internally defined REVEL score threshold >= 0.7, PMID: 27666373). To our knowledge, functional studies have not been reported for this variant. This variant has been reported in individuals affected with hypertrophic cardiomyopathy (PMID: 27483260, 31323898, 32481709). This variant has not been identified in the general population by the Genome Aggregation Database (gnomAD). The available evidence is insufficient to determine the role of this variant in disease conclusively. Therefore, this variant is classified as a Variant of Uncertain Significance.

This study involves interpretation of variants in research participants for the purpose of population health screening. Participant phenotype was not available at the time of variant classification. Additional details can be found in publication PMID: 35346344, PMCID: PMC8962531

GeneDx
Classification: Uncertain significance. Last evaluated: 2019-11-01. Review status: criteria provided, single submitter. Criteria: GeneDx Variant Classification Process June 2021. Collection method: clinical testing. Allele origin: germline. Affected: yes.
Comment: Not observed in large population cohorts (Lek et al., 2016); In silico analysis, which includes protein predictors and evolutionary conservation, supports that this variant does not alter protein structure/function; Reported in associatoin with HCM (Rubattu et al., 2016); This variant is associated with the following publications: (PMID: 27483260)

Literature cited by the submitters: PubMed 27483260 (cited by Labcorp Genetics (formerly Invitae), Labcorp and All of Us Research Program, National Institutes of Health); PubMed 31323898 (cited by Labcorp Genetics (formerly Invitae), Labcorp and All of Us Research Program, National Institutes of Health); PubMed 32481709 (cited by All of Us Research Program, National Institutes of Health).

NM_000257.4(MYH7):c.3367G>C (p.Glu1123Gln)

Gene: MYH7 (myosin heavy chain 7; minus strand). Cytogenetic location: 14q11.2.
Variant type: single nucleotide variant.
Coding change: c.3367G>C on transcript NM_000257.4 (MANE Select); coding-DNA position 3367, G replaced by C.
Protein change: p.Glu1123Gln; replaces glutamic acid 1123 with glutamine.
Molecular consequence: missense variant.
Genome position (GRCh38, 1-based): chr14:23,420,204, C>G on the plus strand (G>C on the coding strand, the complement: MYH7 is on the minus strand). VCF-style: chr14-23420204-C-G. GRCh37 (hg19) VCF-style: chr14-23889413-C-G.
Other names: short protein forms E1123Q.
Identifiers: ClinVar variation 1315923 (VCV001315923.6), dbSNP rs753801146, ClinGen allele CA389044118.